The following is an entry in ClinVar:

ClinVar aggregate classification (germline): Pathogenic (1 of 4 stars; one submission).

Conditions:
Inborn genetic diseases. Identifiers: MedGen C0950123, MeSH D030342.

Submission:

Ambry Genetics
Classification: Pathogenic for Inborn genetic diseases. Last evaluated: 2025-12-19. Review status: criteria provided, single submitter. Criteria: Ambry Variant Classification Scheme 2023. Collection method: clinical testing. Allele origin: germline.
Comment: The c.1119_1137dup19 (p.A380Tfs*3) alteration, located in exon 11 (coding exon 11) of the PDHA1 gene, consists of a duplication of ACCTTTTGAAGTTCGTGGT at position 1119, causing a translational frameshift with a predicted alternate stop codon after 3 amino acids. This variant is not expected to trigger nonsense-mediated mRNA decay, and impacts the last 2.56% of the protein. However, premature stop codons are typically deleterious in nature and the impacted region is critical for protein function (Ambry internal data). This variant was not reported in population-based cohorts in the Genome Aggregation Database (gnomAD). Based on the available evidence, this alteration is classified as pathogenic.

NM_000284.4(PDHA1):c.1119_1137dup (p.Ala380delinsThrPheTer)

Gene: PDHA1 (pyruvate dehydrogenase E1 subunit alpha 1; plus strand). Cytogenetic location: Xp22.12.
Variant type: Duplication.
Coding change: c.1119_1137dup on transcript NM_000284.4 (MANE Select); coding-DNA positions 1119 to 1137, 19 bases duplicated (ACCTTTTGAAGTTCGTGGT).
Protein change: p.Ala380delinsThrPheTer.
Molecular consequence: nonsense.
Genome position (GRCh38, 1-based): chrX:19,359,599-19,359,617, ACCTTTTGAAGTTCGTGGT duplicated. VCF-style (leftmost placement, unchanged base first): chrX-19359598-C-CACCTTTTGAAGTTCGTGGT. GRCh37 (hg19) VCF-style: chrX-19377716-C-CACCTTTTGAAGTTCGTGGT.
Other names: c.1233_1251dup, p.Ala418delinsThrPheTer (NM_001173454.2); c.1140_1158dup, p.Ala387delinsThrPheTer (NM_001173455.2); c.1026_1044dup, p.Ala349delinsThrPheTer (NM_001173456.2).
Identifiers: ClinVar variation 4833024 (VCV004833024.1).